The following is an entry in ClinVar:

ClinVar aggregate classification (germline): Pathogenic (1 of 4 stars; one submission).

Conditions:
DICER1-related tumor predisposition. Also called: DICER1-related pleuropulmonary blastoma cancer predisposition syndrome; DICER1 syndrome. Identifiers: Orphanet 284343, MedGen C3839822, MONDO:0100216.

Submission:

Labcorp Genetics (formerly Invitae), Labcorp
Classification: Pathogenic for DICER1-related tumor predisposition. Last evaluated: 2024-04-15. Review status: criteria provided, single submitter. Criteria: Invitae Variant Classification Sherloc (09022015). Collection method: clinical testing. Allele origin: germline.
Comment: This sequence change creates a premature translational stop signal (p.Glu583Lysfs*4) in the DICER1 gene. It is expected to result in an absent or disrupted protein product. Loss-of-function variants in DICER1 are known to be pathogenic (PMID: 19556464, 21266384). This variant is not present in population databases (gnomAD no frequency). This variant has not been reported in the literature in individuals affected with DICER1-related conditions. ClinVar contains an entry for this variant (Variation ID: 412131). For these reasons, this variant has been classified as Pathogenic.

Literature cited by the submitters: PubMed 19556464; PubMed 21266384.

NM_177438.3(DICER1):c.1747del (p.Glu583fs)

Gene: DICER1 (dicer 1, ribonuclease III; minus strand). Cytogenetic location: 14q32.13.
Variant type: Deletion.
Coding change: c.1747del on transcript NM_177438.3 (MANE Select); coding-DNA position 1747, one base deleted (G; older notation c.1747delG).
Protein change: p.Glu583fs; shifts the reading frame from glutamic acid 583.
Molecular consequence: frameshift variant.
Genome position (GRCh38, 1-based): chr14:95,116,458, C deleted on the plus strand (G on the coding strand, the reverse complement: DICER1 is on the minus strand). VCF-style (leftmost placement, unchanged base first): chr14-95116457-TC-T. GRCh37 (hg19) VCF-style: chr14-95582794-TC-T.
Other names: c.1747delG (NM_177438.2); c.1747del, p.Glu583fs (NM_001195573.1, NM_001271282.3, NM_001291628.2 and 1 more transcripts); short protein forms E583fs.
Identifiers: ClinVar variation 412131 (VCV000412131.8), dbSNP rs1060503633, ClinGen allele CA16614258.
Genomic context (GRCh38, chr14:95,116,457, plus strand): 5'-AGCCACATTAATTTTTTTTCCCAATCTGCCGGCACATGTTAATATGTTGATCTTACCTTT[TC>T]AATAGCTTTGTAGGTTTTAAGGTCTTCTTCAAAACTTTTTATTTTGTCTGTATCCGCTAA-3'